The following is an entry in ClinVar:

NM_198859.4(PRICKLE2):c.457G>A (p.Val153Ile)

Gene: PRICKLE2 (prickle planar cell polarity protein 2; minus strand). Cytogenetic location: 3p14.1.
Variant type: single nucleotide variant.
Coding change: c.457G>A on transcript NM_198859.4 (MANE Select); coding-DNA position 457, G replaced by A.
Protein change: p.Val153Ile; replaces valine 153 with isoleucine.
Molecular consequence: missense variant.
Genome position (GRCh38, 1-based): chr3:64,157,305, C>T on the plus strand (G>A on the coding strand, the complement: PRICKLE2 is on the minus strand). VCF-style: chr3-64157305-C-T. GRCh37 (hg19) VCF-style: chr3-64142981-C-T.
Other names: c.457G>A, p.Val153Ile (NM_001370528.1); short protein forms V153I.
Identifiers: ClinVar variation 242689 (VCV000242689.23), dbSNP rs139747674, ClinGen allele CA354158.

ClinVar aggregate classification (germline): Conflicting classifications of pathogenicity. Review status: criteria provided, conflicting classifications (1 of 4 stars). 6 submissions from 6 submitters: Uncertain significance (1); Benign (3); Likely benign (2). Last evaluated 2026-02-03.

Conditions:
Myoclonic epilepsy, progressive, X-linked. Identifiers: MedGen CN263077, OMIM 310370, MONDO:0010682.
Progressive myoclonic epilepsy. Also called: Progressive myoclonus epilepsy; Familial progressive myoclonic epilepsy; Myoclonic Epilepsies, Progressive; Myoclonus epilepsy. Identifiers: Orphanet 308, Orphanet 98261, MedGen C0751778, MONDO:0020074.
Progressive myoclonic epilepsy type 5. Identifiers: Orphanet 402082, MedGen C5190799.

Allele frequency attached by ClinVar (database versions not stated): ESP Exome Variant Server 0.00069; ExAC 0.00108; gnomAD 0.00120 and 0.00119; gnomAD exomes 0.00131 and 0.00105; TOPMed 0.00083; 1000 Genomes Project 0.00160; 1000 Genomes Project 30x 0.00156.

Submissions (6):

Labcorp Genetics (formerly Invitae), Labcorp
Classification: Benign for Progressive myoclonic epilepsy type 5. Last evaluated: 2026-02-03. Review status: criteria provided, single submitter. Criteria: Invitae Variant Classification Sherloc (09022015). Collection method: clinical testing. Allele origin: germline.

Blueprint Genetics
Classification: Likely benign. Last evaluated: 2024-11-11. Review status: criteria provided, single submitter. Criteria: ACMG Guidelines, 2015. Collection method: clinical testing. Allele origin: germline.

Mendelics
Classification: Benign for Myoclonic epilepsy, progressive, X-linked. Last evaluated: 2023-08-22. Review status: criteria provided, single submitter. Criteria: Mendelics Assertion Criteria 2019. Collection method: clinical testing. Allele origin: germline.

Athena Diagnostics
Classification: Benign. Last evaluated: 2018-09-06. Review status: criteria provided, single submitter. Criteria: Athena Diagnostics Criteria. Collection method: clinical testing. Allele origin: germline.

Illumina Laboratory Services, Illumina
Classification: Uncertain significance for Progressive myoclonic epilepsy. Last evaluated: 2017-04-28. Review status: criteria provided, single submitter. Criteria: ICSL Variant Classification Criteria 13 December 2019. Collection method: clinical testing. Allele origin: germline.
Comment: This variant was observed as part of a predisposition screen in an ostensibly healthy population. A literature search was performed for the gene, cDNA change, and amino acid change (where applicable). Publications were found based on this search. However, the evidence from the literature, in combination with allele frequency data from public databases where available, was not sufficient to rule this variant in or out of causing disease. Therefore, this variant is classified as a variant of unknown significance.

Eurofins Ntd Llc (ga)
Classification: Likely benign. Last evaluated: 2015-09-10. Review status: criteria provided, single submitter. Criteria: EGL Classification Definitions 2015. Collection method: clinical testing. Allele origin: germline. Observed: 1 variant allele, 1 heterozygote.

Literature cited by the submitters: PubMed 21276947 (cited by Athena Diagnostics and Illumina Laboratory Services, Illumina); PubMed 23711981 (cited by Athena Diagnostics); PubMed 26942291 (cited by Athena Diagnostics and Illumina Laboratory Services, Illumina); PubMed 26942292 (cited by Illumina Laboratory Services, Illumina).